The following is an entry in ClinVar:

ClinVar aggregate classification (germline): Uncertain significance. Review status: criteria provided, multiple submitters, no conflicts (2 of 4 stars). 2 submissions from 2 submitters: Uncertain significance (2). Last evaluated 2026-05-28.

Conditions:
Cardiovascular phenotype. Identifiers: MedGen CN230736.

Submissions (2):

Ambry Genetics
Classification: Uncertain significance for Cardiovascular phenotype. Last evaluated: 2026-05-28. Review status: criteria provided, single submitter. Criteria: Ambry Variant Classification Scheme 2023. Collection method: clinical testing. Allele origin: germline.
Comment: The p.V843G variant (also known as c.2528T>G), located in coding exon 6 of the ALPK3 gene, results from a T to G substitution at nucleotide position 2528. The valine at codon 843 is replaced by glycine, an amino acid with dissimilar properties. This amino acid position is conserved. In addition, this alteration is predicted to be tolerated by in silico analysis. Based on the available evidence, the clinical significance of this variant remains unclear.

Labcorp Genetics (formerly Invitae), Labcorp
Classification: Uncertain significance. Last evaluated: 2022-08-12. Review status: criteria provided, single submitter. Criteria: Invitae Variant Classification Sherloc (09022015). Collection method: clinical testing. Allele origin: germline.
Comment: This variant has not been reported in the literature in individuals affected with ALPK3-related conditions. In summary, the available evidence is currently insufficient to determine the role of this variant in disease. Therefore, it has been classified as a Variant of Uncertain Significance. Algorithms developed to predict the effect of missense changes on protein structure and function are either unavailable or do not agree on the potential impact of this missense change (SIFT: "Deleterious"; PolyPhen-2: "Benign"; Align-GVGD: "Class C0"). This variant is not present in population databases (gnomAD no frequency). This sequence change replaces valine, which is neutral and non-polar, with glycine, which is neutral and non-polar, at codon 843 of the ALPK3 protein (p.Val843Gly).

NM_020778.5(ALPK3):c.1922T>G (p.Val641Gly)

Gene: ALPK3 (alpha kinase 3; plus strand). Cytogenetic location: 15q25.3.
Variant type: single nucleotide variant.
Coding change: c.1922T>G on transcript NM_020778.5 (MANE Select); coding-DNA position 1922, T replaced by G.
Protein change: p.Val641Gly; replaces valine 641 with glycine.
Molecular consequence: missense variant.
Genome position (GRCh38, 1-based): chr15:84,856,660, T>G. VCF-style: chr15-84856660-T-G. GRCh37 (hg19) VCF-style: chr15-85399891-T-G.
Other names: c.2528T>G (NM_020778.4); short protein forms V641G.
Identifiers: ClinVar variation 1918528 (VCV001918528.6), dbSNP rs2505719277, ClinGen allele CA393355262.